The following is an entry in ClinVar:

ClinVar aggregate classification (germline): Uncertain significance (1 of 4 stars; one submission).

Conditions:
Autoimmune lymphoproliferative syndrome type 1. Also called: AUTOIMMUNE LYMPHOPROLIFERATIVE SYNDROME, TYPE I, AUTOSOMAL DOMINANT. Identifiers: Orphanet 3261, MedGen C2717884, MONDO:0011158, OMIM 601859.

Allele frequency attached by ClinVar (database versions not stated): gnomAD exomes below 0.00001 and 0.00001; TOPMed below 0.00001.
gnomAD v4.1: 14 of 1,614,136 alleles (0.00087%); highest among the groups gnomAD compares: Non-Finnish European, 0.0011%; no homozygotes.

Submission:

Labcorp Genetics (formerly Invitae), Labcorp
Classification: Uncertain significance for Autoimmune lymphoproliferative syndrome. Last evaluated: 2023-05-15. Review status: criteria provided, single submitter. Criteria: Invitae Variant Classification Sherloc (09022015). Collection method: clinical testing. Allele origin: germline.
Comment: ClinVar contains an entry for this variant (Variation ID: 1439236). In summary, the available evidence is currently insufficient to determine the role of this variant in disease. Therefore, it has been classified as a Variant of Uncertain Significance. Advanced modeling of protein sequence and biophysical properties (such as structural, functional, and spatial information, amino acid conservation, physicochemical variation, residue mobility, and thermodynamic stability) performed at Invitae indicates that this missense variant is not expected to disrupt FAS protein function. This variant has not been reported in the literature in individuals affected with FAS-related conditions. This variant is present in population databases (rs753767914, gnomAD 0.004%). This sequence change replaces histidine, which is basic and polar, with arginine, which is basic and polar, at codon 60 of the FAS protein (p.His60Arg).

NM_000043.6(FAS):c.179A>G (p.His60Arg)

Gene: FAS (Fas cell surface death receptor; plus strand). Cytogenetic location: 10q23.31.
Variant type: single nucleotide variant.
Coding change: c.179A>G on transcript NM_000043.6 (MANE Select); coding-DNA position 179, A replaced by G.
Protein change: p.His60Arg; replaces histidine 60 with arginine.
Molecular consequence: missense variant. On other transcripts: non-coding transcript variant (7).
Genome position (GRCh38, 1-based): chr10:89,003,177, A>G. VCF-style: chr10-89003177-A-G. GRCh37 (hg19) VCF-style: chr10-90762934-A-G.
Other names: c.179A>G, p.His60Arg (NM_001320619.2, NM_152871.4, NM_152872.4); short protein forms H60R.
Identifiers: ClinVar variation 1439236 (VCV001439236.6), dbSNP rs753767914, ClinGen allele CA211325448.
Genomic context (GRCh38, chr10:89,003,177, plus strand): 5'-CTGTTACTACAGTTGAGACTCAGAACTTGGAAGGCCTGCATCATGATGGCCAATTCTGCC[A>G]TAAGCCCTGTCCTCCAGGTATGTTACACAAAACATCCAGAGATTACAGTGAAAGTCACAG-3'
Protein context (NP_000034.1, residues 50-70): EGLHHDGQFC[His60Arg]KPCPPGERKA